The following is an entry in ClinVar:

ClinVar aggregate classification (germline): Conflicting classifications of pathogenicity. Review status: criteria provided, conflicting classifications (1 of 4 stars). 2 submissions from 2 submitters: Uncertain significance (1); Likely benign (1). Last evaluated 2026-08-13.

Conditions:
RAI1-related disorder. Also called: RAI1-related condition.

Allele frequency attached by ClinVar (database versions not stated): gnomAD 0.00001; gnomAD exomes 0.00001; TOPMed 0.00002.
gnomAD v4.1: 14 of 1,612,770 alleles (0.00087%); highest among the groups gnomAD compares: South Asian, 0.0022%; no homozygotes.

Submissions (2):

PreventionGenetics, part of Exact Sciences
Classification: Uncertain significance for RAI1-related condition. Last evaluated: 2026-08-13. Review status: criteria provided, single submitter. Criteria: ACMG Guidelines, 2015. Collection method: clinical testing. Allele origin: germline.
Comment: The RAI1 c.1739C>T variant is predicted to result in the amino acid substitution p.Pro580Leu. To our knowledge, this variant has not been reported in the literature. This variant is reported in 0.0029% of alleles in individuals of Latino descent in gnomAD v2. However, in gnomAD v4 (available only on GRCh38), this variant is reported in 14 alleles, which is likely too high to be an undocumented cause of autosomal dominant Smith-Magenis syndrome. Although we suspect that this variant may be benign, at this time, the clinical significance of this variant is uncertain due to the absence of conclusive functional and genetic evidence.

Labcorp Genetics (formerly Invitae), Labcorp
Classification: Likely benign. Last evaluated: 2025-07-23. Review status: criteria provided, single submitter. Criteria: Invitae Variant Classification Sherloc (09022015). Collection method: clinical testing. Allele origin: germline.

NM_030665.4(RAI1):c.1739C>T (p.Pro580Leu)

Gene: RAI1 (retinoic acid induced 1; plus strand). Cytogenetic location: 17p11.2.
Variant type: single nucleotide variant.
Coding change: c.1739C>T on transcript NM_030665.4 (MANE Select); coding-DNA position 1739, C replaced by T.
Protein change: p.Pro580Leu; replaces proline 580 with leucine.
Molecular consequence: missense variant.
Genome position (GRCh38, 1-based): chr17:17,794,687, C>T. VCF-style: chr17-17794687-C-T. GRCh37 (hg19) VCF-style: chr17-17698001-C-T.
Other names: c.1739C>T (NM_030665.3); short protein forms P580L.
Identifiers: ClinVar variation 2183285 (VCV002183285.5), dbSNP rs200760499, ClinGen allele CA288367885.